The following is an entry in ClinVar:

ClinVar aggregate classification (germline): Uncertain significance. Review status: criteria provided, multiple submitters, no conflicts (2 of 4 stars). 3 submissions from 3 submitters: Uncertain significance (3). Last evaluated 2025-04-21.

Conditions:
Familial cancer of breast. Also called: hereditary breast carcinoma; BREAST CANCER, FAMILIAL; Hereditary breast cancer. Identifiers: Orphanet 227535, MedGen C0346153, MONDO:0016419, OMIM 114480. Disease mechanism: loss of function.
Hereditary cancer-predisposing syndrome. Also called: Tumor predisposition; Neoplastic Syndromes, Hereditary; Hereditary Cancer Syndrome; Hereditary neoplastic syndrome. Identifiers: Orphanet 140162, MedGen C0027672, MeSH D009386, MONDO:0015356.

Submissions (3):

Labcorp Genetics (formerly Invitae), Labcorp
Classification: Uncertain significance for Familial cancer of breast. Last evaluated: 2025-04-21. Review status: criteria provided, single submitter. Criteria: Invitae Variant Classification Sherloc (09022015). Collection method: clinical testing. Allele origin: germline.
Comment: This sequence change replaces isoleucine, which is neutral and non-polar, with valine, which is neutral and non-polar, at codon 434 of the BARD1 protein (p.Ile434Val). This variant is present in population databases (rs758049210, gnomAD 0.003%). This variant has not been reported in the literature in individuals affected with BARD1-related conditions. ClinVar contains an entry for this variant (Variation ID: 801051). An algorithm developed to predict the effect of missense changes on protein structure and function outputs the following: PolyPhen-2: "Benign". The valine amino acid residue is found in multiple mammalian species, which suggests that this missense change does not adversely affect protein function. In summary, the available evidence is currently insufficient to determine the role of this variant in disease. Therefore, it has been classified as a Variant of Uncertain Significance.

Ambry Genetics
Classification: Uncertain significance for Hereditary cancer-predisposing syndrome. Last evaluated: 2023-09-20. Review status: criteria provided, single submitter. Criteria: Ambry Variant Classification Scheme 2023. Collection method: clinical testing. Allele origin: germline.
Comment: The p.I434V variant (also known as c.1300A>G), located in coding exon 4 of the BARD1 gene, results from an A to G substitution at nucleotide position 1300. The isoleucine at codon 434 is replaced by valine, an amino acid with highly similar properties. This amino acid position is conserved. In addition, this alteration is predicted to be tolerated by in silico analysis. Since supporting evidence is limited at this time, the clinical significance of this alteration remains unclear.

Quest Diagnostics Nichols Institute San Juan Capistrano
Classification: Uncertain significance. Last evaluated: 2019-07-28. Review status: criteria provided, single submitter. Criteria: Quest Diagnostics criteria. Collection method: clinical testing. Allele origin: germline.

NM_000465.4(BARD1):c.1300A>G (p.Ile434Val)

Gene: BARD1 (BRCA1 associated RING domain 1; minus strand). Cytogenetic location: 2q35.
Variant type: single nucleotide variant.
Coding change: c.1300A>G on transcript NM_000465.4 (MANE Select); coding-DNA position 1300, A replaced by G.
Protein change: p.Ile434Val; replaces isoleucine 434 with valine.
Molecular consequence: missense variant. On other transcripts: non-coding transcript variant (2), intron variant (3).
Genome position (GRCh38, 1-based): chr2:214,780,574, T>C on the plus strand (A>G on the coding strand, the complement: BARD1 is on the minus strand). VCF-style: chr2-214780574-T-C. GRCh37 (hg19) VCF-style: chr2-215645298-T-C.
Other names: c.1243A>G, p.Ile415Val (NM_001282543.2); c.159-28019A>G (NM_001282548.2); c.215+16487A>G (NM_001282545.2); c.364+11723A>G (NM_001282549.2); c.1300A>G (NM_000465.2); short protein forms I415V, I434V.
Identifiers: ClinVar variation 801051 (VCV000801051.6), dbSNP rs758049210, ClinGen allele CA2090312.